The following is an entry in ClinVar:

ClinVar aggregate classification (germline): Pathogenic (1 of 4 stars; one submission).

Conditions:
Primary ciliary dyskinesia 3. Identifiers: Orphanet 244, MedGen C1837618, MONDO:0012085, OMIM 608644.

Submission:

Myriad Genetics, Inc.
Classification: Pathogenic for Primary ciliary dyskinesia 3. Last evaluated: 2024-05-14. Review status: criteria provided, single submitter. Criteria: Myriad Autosomal Dominant, Autosomal Recessive and X-Linked Classification Criteria (2023). Collection method: clinical testing. Allele origin: unknown.
Comment: NM_001369.2(DNAH5):c.12130_12131ins16(P4044Rfs*69) is expected to be pathogenic in the context of primary ciliary dyskinesia, DNAH5-related. This variant is predicted to lead to an abnormal or absent protein product due to the creation of a premature termination codon in DNAH5, a gene where loss-of-function variants are known to be pathogenic. Please note: this variant was assessed in the context of healthy population screening.

NM_001369.3(DNAH5):c.12130_12131insGTCGTGCTGCTGAGTG (p.Pro4044fs)

Gene: DNAH5 (dynein axonemal heavy chain 5; minus strand). Cytogenetic location: 5p15.2.
Variant type: Insertion.
Coding change: c.12130_12131insGTCGTGCTGCTGAGTG on transcript NM_001369.3 (MANE Select); coding-DNA positions 12130 to 12131, GTCGTGCTGCTGAGTG inserted.
Protein change: p.Pro4044fs; shifts the reading frame from proline 4044.
Molecular consequence: frameshift variant.
Genome position: GRCh38 VCF-style: chr5-13721148-G-GCACTCAGCAGCACGAC. GRCh37 (hg19) VCF-style: chr5-13721257-G-GCACTCAGCAGCACGAC.
Other names: short protein forms P4044fs.
Identifiers: ClinVar variation 5010339 (VCV005010339.1).
Genomic context (GRCh38, chr5:13,721,148, plus strand): 5'-TTCCCCAAGGCAATGATGGAATCTGTGGGGTCTGAGCCCATAGACAGGAGACAGATGAGT[G>GCACTCAGCAGCACGAC]GCGTCCGTGGATCAGATTCCTCCCACGTCTTCTCCAAGTCTAAAATAACACCTTCGGCAT-3'